The following is an entry in ClinVar:

NM_001367624.2(ZNF469):c.2636C>A (p.Pro879His)

Gene: ZNF469 (zinc finger protein 469; plus strand). Cytogenetic location: 16q24.2.
Variant type: single nucleotide variant.
Coding change: c.2636C>A on transcript NM_001367624.2 (MANE Select); coding-DNA position 2636, C replaced by A.
Protein change: p.Pro879His; replaces proline 879 with histidine.
Molecular consequence: missense variant.
Genome position (GRCh38, 1-based): chr16:88,430,106, C>A. VCF-style: chr16-88430106-C-A. GRCh37 (hg19) VCF-style: chr16-88496514-C-A.
Other names: short protein forms P879H.
Identifiers: ClinVar variation 3616297 (VCV003616297.2).

ClinVar aggregate classification (germline): Uncertain significance (1 of 4 stars; one submission).

gnomAD v4.1: 2 of 1,542,308 alleles (0.00013%); highest among the groups gnomAD compares: Non-Finnish European, 0.00017%; no homozygotes.

Submission:

Labcorp Genetics (formerly Invitae), Labcorp
Classification: Uncertain significance. Last evaluated: 2024-07-21. Review status: criteria provided, single submitter. Criteria: Invitae Variant Classification Sherloc (09022015). Collection method: clinical testing. Allele origin: germline.
Comment: This sequence change replaces proline, which is neutral and non-polar, with histidine, which is basic and polar, at codon 879 of the ZNF469 protein (p.Pro879His). This variant is present in population databases (no rsID available, gnomAD 0.007%). This variant has not been reported in the literature in individuals affected with ZNF469-related conditions. An algorithm developed to predict the effect of missense changes on protein structure and function (PolyPhen-2) suggests that this variant is likely to be disruptive. In summary, the available evidence is currently insufficient to determine the role of this variant in disease. Therefore, it has been classified as a Variant of Uncertain Significance.